The following is an entry in ClinVar:

NM_000551.4(VHL):c.23G>C (p.Trp8Ser)

Gene: VHL (von Hippel-Lindau tumor suppressor; plus strand). Cytogenetic location: 3p25.3.
Variant type: single nucleotide variant.
Coding change: c.23G>C on transcript NM_000551.4 (MANE Select); coding-DNA position 23, G replaced by C.
Protein change: p.Trp8Ser; replaces tryptophan 8 with serine.
Molecular consequence: missense variant. On other transcripts: non-coding transcript variant (1).
Genome position (GRCh38, 1-based): chr3:10,141,870, G>C. VCF-style: chr3-10141870-G-C. GRCh37 (hg19) VCF-style: chr3-10183554-G-C.
Other names: c.23G>C, p.Trp8Ser (NM_001354723.2, NM_198156.3); short protein forms W8S.
Identifiers: ClinVar variation 3753890 (VCV003753890.2).

ClinVar aggregate classification (germline): Uncertain significance (1 of 4 stars; one submission).

Conditions:
Chuvash polycythemia. Also called: POLYCYTHEMIA, VHL-DEPENDENT. Identifiers: Orphanet 238557, MedGen C1837915, MONDO:0009892, OMIM 263400.
Von Hippel-Lindau syndrome (VHLS). Also called: VHL syndrome; von Hippel–Lindau syndrome; Von Hippel-Lindau. Identifiers: Orphanet 892, MedGen C0019562, MONDO:0008667, OMIM 193300. Disease mechanism: loss of function.

Submission:

Labcorp Genetics (formerly Invitae), Labcorp
Classification: Uncertain significance for Von Hippel-Lindau syndrome; Chuvash polycythemia. Last evaluated: 2024-09-03. Review status: criteria provided, single submitter. Criteria: Invitae Variant Classification Sherloc (09022015). Collection method: clinical testing. Allele origin: germline.
Comment: This sequence change replaces tryptophan, which is neutral and slightly polar, with serine, which is neutral and polar, at codon 8 of the VHL protein (p.Trp8Ser). This variant is not present in population databases (gnomAD no frequency). This variant has not been reported in the literature in individuals affected with VHL-related conditions. Invitae Evidence Modeling of protein sequence and biophysical properties (such as structural, functional, and spatial information, amino acid conservation, physicochemical variation, residue mobility, and thermodynamic stability) indicates that this missense variant is not expected to disrupt VHL protein function with a negative predictive value of 95%. In summary, the available evidence is currently insufficient to determine the role of this variant in disease. Therefore, it has been classified as a Variant of Uncertain Significance.